The following is an entry in ClinVar:

NM_000282.4(PCCA):c.257G>A (p.Gly86Asp)

Gene: PCCA (propionyl-CoA carboxylase subunit alpha; plus strand). Cytogenetic location: 13q32.3.
Variant type: single nucleotide variant.
Coding change: c.257G>A on transcript NM_000282.4 (MANE Select); coding-DNA position 257, G replaced by A.
Protein change: p.Gly86Asp; replaces glycine 86 with aspartic acid.
Molecular consequence: missense variant. On other transcripts: 5 prime UTR variant (3), non-coding transcript variant (5).
Genome position (GRCh38, 1-based): chr13:100,112,018, G>A. VCF-style: chr13-100112018-G-A. GRCh37 (hg19) VCF-style: chr13-100764272-G-A.
Other names: c.179G>A, p.Gly60Asp (NM_001127692.3, NM_001352607.2, NM_001352608.2); c.257G>A, p.Gly86Asp (NM_001178004.2, NM_001352605.2, NM_001352606.2 and 1 more transcripts); c.-610G>A (NM_001352610.2, NM_001352611.2, NM_001352612.2); short protein forms G60D, G86D.
Identifiers: ClinVar variation 2200339 (VCV002200339.1), dbSNP rs921743087, ClinGen allele CA255965894.

ClinVar aggregate classification (germline): Uncertain significance (1 of 4 stars; one submission).

Conditions:
Propionic acidemia (PROP). Also called: GLYCINEMIA, KETOTIC; HYPERGLYCINEMIA WITH KETOACIDOSIS AND LEUKOPENIA; KETOTIC HYPERGLYCINEMIA. Identifiers: Orphanet 35, MedGen C0268579, MONDO:0011628, OMIM 606054, HP:0003571.

Allele frequency attached by ClinVar (database versions not stated): gnomAD 0.00001; gnomAD exomes 0.00001.
gnomAD v4.1: 19 of 1,610,248 alleles (0.0012%); highest among the groups gnomAD compares: East Asian, 0.011%; no homozygotes.

Submission:

Labcorp Genetics (formerly Invitae), Labcorp
Classification: Uncertain significance for Propionic acidemia. Last evaluated: 2022-02-13. Review status: criteria provided, single submitter. Criteria: Invitae Variant Classification Sherloc (09022015). Collection method: clinical testing. Allele origin: germline.
Comment: This sequence change replaces glycine, which is neutral and non-polar, with aspartic acid, which is acidic and polar, at codon 86 of the PCCA protein (p.Gly86Asp). This variant is present in population databases (no rsID available, gnomAD 0.02%). This variant has not been reported in the literature in individuals affected with PCCA-related conditions. Advanced modeling of protein sequence and biophysical properties (such as structural, functional, and spatial information, amino acid conservation, physicochemical variation, residue mobility, and thermodynamic stability) performed at Invitae indicates that this missense variant is expected to disrupt PCCA protein function. In summary, the available evidence is currently insufficient to determine the role of this variant in disease. Therefore, it has been classified as a Variant of Uncertain Significance.